The following is an entry in ClinVar:

NM_006306.4(SMC1A):c.3461T>A (p.Val1154Asp)

Gene: SMC1A (structural maintenance of chromosomes 1A; minus strand). Cytogenetic location: Xp11.22.
Variant type: single nucleotide variant.
Coding change: c.3461T>A on transcript NM_006306.4 (MANE Select); coding-DNA position 3461, T replaced by A.
Protein change: p.Val1154Asp; replaces valine 1154 with aspartic acid.
Molecular consequence: missense variant.
Genome position (GRCh38, 1-based): chrX:53,381,064, A>T on the plus strand (T>A on the coding strand, the complement: SMC1A is on the minus strand). VCF-style: chrX-53381064-A-T. GRCh37 (hg19) VCF-style: chrX-53407985-A-T.
Other names: c.3395T>A, p.Val1132Asp (NM_001281463.1); short protein forms V1132D, V1154D.
Identifiers: ClinVar variation 579900 (VCV000579900.9), dbSNP rs1569351534, ClinGen allele CA413242699.

ClinVar aggregate classification (germline): Likely pathogenic (1 of 4 stars; one submission).

Conditions:
Congenital muscular hypertrophy-cerebral syndrome (CDLS2). Also called: Cornelia de Lange syndrome 2; SMC1A-Related Cornelia de Lange Syndrome. Identifiers: Orphanet 199, MedGen C1802395, MONDO:0010370, OMIM 300590.

Submission:

Labcorp Genetics (formerly Invitae), Labcorp
Classification: Likely pathogenic for Congenital muscular hypertrophy-cerebral syndrome. Last evaluated: 2018-08-24. Review status: criteria provided, single submitter. Criteria: Invitae Variant Classification Sherloc (09022015). Collection method: clinical testing. Allele origin: germline.
Comment: This sequence change replaces valine with aspartic acid at codon 1154 of the SMC1A protein (p.Val1154Asp). The valine residue is highly conserved and there is a large physicochemical difference between valine and aspartic acid. This variant is not present in population databases (ExAC no frequency). Algorithms developed to predict the effect of missense changes on protein structure and function are either unavailable or do not agree on the potential impact of this missense change (SIFT: "Deleterious"; PolyPhen-2: "Probably Damaging"; Align-GVGD: "Class C0"). In summary, the currently available evidence indicates that the variant is pathogenic, but additional data are needed to prove that conclusively. Therefore, this variant has been classified as Likely Pathogenic.